The following is an entry in ClinVar:

ClinVar aggregate classification (germline): Conflicting classifications of pathogenicity. Review status: criteria provided, conflicting classifications (1 of 4 stars). 2 submissions from 2 submitters: Likely pathogenic (1); Uncertain significance (1). Last evaluated 2024-09-01.

Conditions:
Episodic ataxia type 1 (EA1). Also called: MYOKYMIA WITH PERIODIC ATAXIA; PAROXYSMAL ATAXIA WITH NEUROMYOTONIA, HEREDITARY; ATAXIA, EPISODIC, WITH MYOKYMIA; Episodic ataxia/myokymia syndrome. Identifiers: Orphanet 37612, Orphanet 972, MedGen C1719788, MONDO:0008047, OMIM 160120.

Allele frequency attached by ClinVar (database versions not stated): TOPMed below 0.00001.

Submissions (2):

CeGaT Center for Human Genetics Tuebingen
Classification: Likely pathogenic. Last evaluated: 2024-09-01. Review status: criteria provided, single submitter. Criteria: CeGaT Center For Human Genetics Tuebingen Variant Classification Criteria Version 2. Collection method: clinical testing. Allele origin: germline. Affected: yes. Observed: 1 variant allele.
Comment: KCNA1: PM1, PM2, PM5, PP2

Labcorp Genetics (formerly Invitae), Labcorp
Classification: Uncertain significance for Episodic ataxia type 1. Last evaluated: 2020-02-23. Review status: criteria provided, single submitter. Criteria: Invitae Variant Classification Sherloc (09022015). Collection method: clinical testing. Allele origin: germline.
Comment: Algorithms developed to predict the effect of missense changes on protein structure and function (SIFT, PolyPhen-2, Align-GVGD) all suggest that this variant is likely to be disruptive, but these predictions have not been confirmed by published functional studies and their clinical significance is uncertain. In summary, the available evidence is currently insufficient to determine the role of this variant in disease. Therefore, it has been classified as a Variant of Uncertain Significance. This variant disrupts the p.Val174 amino acid residue in KCNA1. Other variant(s) that disrupt this residue have been determined to be pathogenic (PMID: 7842011,¬†2245301, 8845167, 9526001 . This suggests that this residue is clinically significant, and that variants that disrupt this residue are likely to be disease-causing. This variant has not been reported in the literature in individuals with KCNA1-related conditions. This variant is not present in population databases (ExAC no frequency). This sequence change replaces valine with isoleucine at codon 174 of the KCNA1 protein (p.Val174Ile). The valine residue is highly conserved and there is a small physicochemical difference between valine and isoleucine.

Literature cited by the submitters: PubMed 7842011 (cited by Labcorp Genetics (formerly Invitae), Labcorp).

NM_000217.3(KCNA1):c.520G>A (p.Val174Ile)

Gene: KCNA1 (potassium voltage-gated channel subfamily A member 1; plus strand). Cytogenetic location: 12p13.32.
Variant type: single nucleotide variant.
Coding change: c.520G>A on transcript NM_000217.3 (MANE Select); coding-DNA position 520, G replaced by A.
Protein change: p.Val174Ile; replaces valine 174 with isoleucine.
Molecular consequence: missense variant.
Genome position (GRCh38, 1-based): chr12:4,911,898, G>A. VCF-style: chr12-4911898-G-A. GRCh37 (hg19) VCF-style: chr12-5021064-G-A.
Other names: short protein forms V174I.
Identifiers: ClinVar variation 959065 (VCV000959065.21), dbSNP rs104894349, ClinGen allele CA383454742.